The following is an entry in ClinVar:

ClinVar aggregate classification (germline): Uncertain significance (1 of 4 stars; one submission).

Conditions:
Neuroblastoma, susceptibility to, 3. Also called: ALK-Related Neuroblastic Tumor Susceptibility. Identifiers: Orphanet 635, MedGen C2751681, MONDO:0013083, OMIM 613014.

Submission:

Labcorp Genetics (formerly Invitae), Labcorp
Classification: Uncertain significance for Neuroblastoma, susceptibility to, 3. Last evaluated: 2025-08-17. Review status: criteria provided, single submitter. Criteria: Invitae Variant Classification Sherloc (09022015). Collection method: clinical testing. Allele origin: germline.
Comment: This sequence change replaces glutamic acid, which is acidic and polar, with lysine, which is basic and polar, at codon 42 of the ALK protein (p.Glu42Lys). This variant is not present in population databases (gnomAD no frequency). This variant has not been reported in the literature in individuals affected with ALK-related conditions. An algorithm developed to predict the effect of missense changes on protein structure and function (PolyPhen-2) suggests that this variant is likely to be disruptive. In summary, the available evidence is currently insufficient to determine the role of this variant in disease. Therefore, it has been classified as a Variant of Uncertain Significance.

NM_004304.5(ALK):c.124G>A (p.Glu42Lys)

Gene: ALK (ALK receptor tyrosine kinase; minus strand). Cytogenetic location: 2p23.1.
Variant type: single nucleotide variant.
Coding change: c.124G>A on transcript NM_004304.5 (MANE Select); coding-DNA position 124, G replaced by A.
Protein change: p.Glu42Lys; replaces glutamic acid 42 with lysine.
Molecular consequence: missense variant.
Genome position (GRCh38, 1-based): chr2:29,920,536, C>T on the plus strand (G>A on the coding strand, the complement: ALK is on the minus strand). VCF-style: chr2-29920536-C-T. GRCh37 (hg19) VCF-style: chr2-30143402-C-T.
Other names: short protein forms E42K.
Identifiers: ClinVar variation 4797729 (VCV004797729.1).